The following is an entry in ClinVar:

NM_001112726.3(CEP170B):c.2729C>A (p.Thr910Asn)

Gene: CEP170B (centrosomal protein 170B; plus strand). Cytogenetic location: 14q32.33.
Variant type: single nucleotide variant.
Coding change: c.2729C>A on transcript NM_001112726.3 (MANE Select); coding-DNA position 2729, C replaced by A.
Protein change: p.Thr910Asn; replaces threonine 910 with asparagine.
Molecular consequence: missense variant.
Genome position (GRCh38, 1-based): chr14:104,886,968, C>A. VCF-style: chr14-104886968-C-A. GRCh37 (hg19) VCF-style: chr14-105353305-C-A.
Other names: c.2519C>A, p.Thr840Asn (NM_015005.3); short protein forms T840N, T910N.
Identifiers: ClinVar variation 3035348 (VCV003035348.2), dbSNP rs3742937, ClinGen allele CA7375951.

ClinVar aggregate classification (germline): Likely benign (0 of 4 stars; one submission).

Conditions:
CEP170B-related disorder. Also called: CEP170B-related condition.

Allele frequency attached by ClinVar (database versions not stated): gnomAD exomes 0.00014; gnomAD 0.00022; TOPMed 0.00030; ExAC 0.00043; 1000 Genomes Project 0.00120; 1000 Genomes Project 30x 0.00125.
gnomAD v4.1: 245 of 1,608,836 alleles (0.015%); highest among the groups gnomAD compares: East Asian, 0.49%; 1 homozygote.

Submission:

PreventionGenetics, part of Exact Sciences
Classification: Likely benign for CEP170B-related condition. Last evaluated: 2019-08-12. Review status: no assertion criteria provided. Collection method: clinical testing. Allele origin: germline.
Comment: This variant is classified as likely benign based on ACMG/AMP sequence variant interpretation guidelines (Richards et al. 2015 PMID: 25741868, with internal and published modifications).